The following is an entry in ClinVar:

ClinVar aggregate classification (germline): Uncertain significance (1 of 4 stars; one submission).

Conditions:
Cornelia de Lange syndrome 4 (CDLS4). Also called: RAD21-Related Cornelia de Lange Syndrome; CORNELIA DE LANGE SYNDROME 4 WITH OR WITHOUT MIDLINE BRAIN DEFECTS. Identifiers: Orphanet 199, MedGen C3553517, MONDO:0013864, OMIM 614701.

Submission:

Victorian Clinical Genetics Services, Murdoch Childrens Research Institute
Classification: Uncertain significance for Cornelia de Lange syndrome 4. Last evaluated: 2020-06-11. Review status: criteria provided, single submitter. Criteria: ACMG Guidelines, 2015. Collection method: clinical testing. Allele origin: germline.
Comment: Based on the classification scheme VCGS_Germline_v1.1.1, this variant is classified as VUS - 3C. Following criteria are met: 0102 - Loss-of-function is a known mechanism of disease for this gene. (N) 0108 - This gene is known to be associated with both recessive and dominant disease. A single family has been reported with recessive Mungan syndrome and heterozygous carriers were noted to have symptoms of Cornelia de Lange syndrome (PMID: 25575569, PMID: 32193685). (N) 0200 - Variant is predicted to result in a missense amino acid change from a glutamic acid to a glutamine (exon 7). (N) 0251 - Variant is heterozygous. (N) 0301 - Variant is absent from gnomAD. (P) 0503 - Missense variant consistently predicted to be tolerated or not conserved in mammals with a minor amino acid change. (B) 0604 - Variant is not located in an established domain, motif, hotspot or informative constraint region. (N) 0705 - No comparable variants have previous evidence for pathogenicity. (N) 0807 - Variant has not previously been reported in a clinical context. (N) 0905 - No segregation evidence has been identified for this variant. (N) 1007 - No published functional evidence has been identified for this variant. (N) 1208 - Inheritance information for this variant is not currently available. (N) Legend: (P) - Pathogenic, (N) - Neutral, (B) - Benign

Literature cited by the submitters: PubMed 25575569; PubMed 32193685.

NM_006265.3(RAD21):c.769G>C (p.Glu257Gln)

Gene: RAD21 (RAD21 cohesin complex component; minus strand). Cytogenetic location: 8q24.11.
Variant type: single nucleotide variant.
Coding change: c.769G>C on transcript NM_006265.3 (MANE Select); coding-DNA position 769, G replaced by C.
Protein change: p.Glu257Gln; replaces glutamic acid 257 with glutamine.
Molecular consequence: missense variant.
Genome position (GRCh38, 1-based): chr8:116,856,691, C>G on the plus strand (G>C on the coding strand, the complement: RAD21 is on the minus strand). VCF-style: chr8-116856691-C-G. GRCh37 (hg19) VCF-style: chr8-117868930-C-G.
Other names: short protein forms E257Q.
Identifiers: ClinVar variation 3377451 (VCV003377451.1).